The following is an entry in ClinVar:

NM_000350.3(ABCA4):c.5243G>A (p.Gly1748Glu)

Gene: ABCA4 (ATP binding cassette subfamily A member 4; minus strand). Cytogenetic location: 1p22.1.
Variant type: single nucleotide variant.
Coding change: c.5243G>A on transcript NM_000350.3 (MANE Select); coding-DNA position 5243, G replaced by A.
Protein change: p.Gly1748Glu; replaces glycine 1748 with glutamic acid.
Molecular consequence: missense variant.
Genome position (GRCh38, 1-based): chr1:94,015,808, C>T on the plus strand (G>A on the coding strand, the complement: ABCA4 is on the minus strand). VCF-style: chr1-94015808-C-T. GRCh37 (hg19) VCF-style: chr1-94481364-C-T.
Other names: c.5021G>A, p.Gly1674Glu (NM_001425324.1); short protein forms G1748E, G1674E.
Identifiers: ClinVar variation 939852 (VCV000939852.9), dbSNP rs1659719374, ClinGen allele CA341281689.

ClinVar aggregate classification (germline): Pathogenic (1 of 4 stars; one submission).

Allele frequency attached by ClinVar (database versions not stated): gnomAD exomes below 0.00001.
gnomAD v4.1: 1 of 1,613,990 alleles (0.000062%); highest among the groups gnomAD compares: Non-Finnish European, 0.000085%; no homozygotes.

Submission:

Labcorp Genetics (formerly Invitae), Labcorp
Classification: Pathogenic. Last evaluated: 2022-11-29. Review status: criteria provided, single submitter. Criteria: Invitae Variant Classification Sherloc (09022015). Collection method: clinical testing. Allele origin: germline.
Comment: This variant is not present in population databases (gnomAD no frequency). This sequence change replaces glycine, which is neutral and non-polar, with glutamic acid, which is acidic and polar, at codon 1748 of the ABCA4 protein (p.Gly1748Glu). This missense change has been observed in individuals with retinal disease (PMID: 28327576, 29847651). For these reasons, this variant has been classified as Pathogenic. This variant disrupts the p.Gly1748 amino acid residue in ABCA4. Other variant(s) that disrupt this residue have been determined to be pathogenic (PMID: 10958763, 32619608; Invitae). This suggests that this residue is clinically significant, and that variants that disrupt this residue are likely to be disease-causing. Advanced modeling of protein sequence and biophysical properties (such as structural, functional, and spatial information, amino acid conservation, physicochemical variation, residue mobility, and thermodynamic stability) performed at Invitae indicates that this missense variant is expected to disrupt ABCA4 protein function. ClinVar contains an entry for this variant (Variation ID: 939852).

Literature cited by the submitters: PubMed 28327576; PubMed 29847651; PubMed 10958763; PubMed 32619608.